The following is an entry in ClinVar:

ClinVar aggregate classification (germline): Uncertain significance (1 of 4 stars; one submission).

Conditions:
Progressive familial heart block type IB (PFHB1B). Identifiers: Orphanet 871, MedGen C1970298, MONDO:0011474, OMIM 604559.

gnomAD v4.1: 1 of 1,577,554 alleles (0.000063%); highest among the groups gnomAD compares: Non-Finnish European, 0.000087%; no homozygotes.

Submission:

Labcorp Genetics (formerly Invitae), Labcorp
Classification: Uncertain significance for Progressive familial heart block type IB. Last evaluated: 2025-04-29. Review status: criteria provided, single submitter. Criteria: Invitae Variant Classification Sherloc (09022015). Collection method: clinical testing. Allele origin: germline.
Comment: This sequence change replaces alanine, which is neutral and non-polar, with valine, which is neutral and non-polar, at codon 496 of the TRPM4 protein (p.Ala496Val). This variant is not present in population databases (gnomAD no frequency). This variant has not been reported in the literature in individuals affected with TRPM4-related conditions. An algorithm developed to predict the effect of missense changes on protein structure and function outputs the following: PolyPhen-2: "Benign". The valine amino acid residue is found in multiple mammalian species, which suggests that this missense change does not adversely affect protein function. In summary, the available evidence is currently insufficient to determine the role of this variant in disease. Therefore, it has been classified as a Variant of Uncertain Significance.

NM_017636.4(TRPM4):c.1487C>T (p.Ala496Val)

Gene: TRPM4 (transient receptor potential cation channel subfamily M member 4; plus strand). Cytogenetic location: 19q13.33.
Variant type: single nucleotide variant.
Coding change: c.1487C>T on transcript NM_017636.4 (MANE Select); coding-DNA position 1487, C replaced by T.
Protein change: p.Ala496Val; replaces alanine 496 with valine.
Molecular consequence: missense variant. On other transcripts: 5 prime UTR variant (1).
Genome position (GRCh38, 1-based): chr19:49,182,801, C>T. VCF-style: chr19-49182801-C-T. GRCh37 (hg19) VCF-style: chr19-49686058-C-T.
Other names: c.1487C>T, p.Ala496Val (NM_001195227.2); c.1142C>T, p.Ala381Val (NM_001321281.2); c.-67C>T (NM_001321282.2); c.965C>T, p.Ala322Val (NM_001321283.2); c.425C>T, p.Ala142Val (NM_001321285.2); short protein forms A142V, A322V, A496V, A381V.
Identifiers: ClinVar variation 4766456 (VCV004766456.1).